The following is an entry in ClinVar:

NM_000222.3(KIT):c.1529G>A (p.Gly510Asp)

Gene: KIT (KIT proto-oncogene, receptor tyrosine kinase; plus strand). Cytogenetic location: 4q12.
Variant type: single nucleotide variant.
Coding change: c.1529G>A on transcript NM_000222.3 (MANE Select); coding-DNA position 1529, G replaced by A.
Protein change: p.Gly510Asp; replaces glycine 510 with aspartic acid.
Molecular consequence: missense variant. On other transcripts: splice donor variant (4).
Genome position (GRCh38, 1-based): chr4:54,726,039, G>A. VCF-style: chr4-54726039-G-A. GRCh37 (hg19) VCF-style: chr4-55592205-G-A.
Other names: c.1532G>A, p.Gly511Asp (NM_001385284.1, NM_001385290.1); c.1529G>A, p.Gly510Asp (NM_001385285.1); c.1531+1G>A (NM_001385288.1, NM_001385292.1); c.1528+1G>A (NM_001093772.2, NM_001385286.1); short protein forms G510D, G511D.
Identifiers: ClinVar variation 1052857 (VCV001052857.9), dbSNP rs2109769812, ClinGen allele CA356906712.

ClinVar aggregate classification (germline): Uncertain significance (1 of 4 stars; one submission).

Conditions:
Gastrointestinal stromal tumor. Also called: Gastrointestinal stromal tumor, somatic; Gastrointestinal stroma tumor. Identifiers: Orphanet 44890, MedGen C0238198, MeSH D046152, MONDO:0011719, OMIM 606764, HP:0100723.

Submission:

Labcorp Genetics (formerly Invitae), Labcorp
Classification: Uncertain significance for Gastrointestinal stromal tumor. Last evaluated: 2020-06-28. Review status: criteria provided, single submitter. Criteria: Invitae Variant Classification Sherloc (09022015). Collection method: clinical testing. Allele origin: germline.
Comment: This variant has not been reported in the literature in individuals with KIT-related conditions. This variant is not present in population databases (ExAC no frequency). This sequence change replaces glycine with aspartic acid at codon 510 of the KIT protein (p.Gly510Asp). The glycine residue is weakly conserved and there is a moderate physicochemical difference between glycine and aspartic acid. Algorithms developed to predict the effect of missense changes on protein structure and function are either unavailable or do not agree on the potential impact of this missense change (SIFT: "Deleterious"; PolyPhen-2: "Probably Damaging"; Align-GVGD: "Class C0"). In summary, the available evidence is currently insufficient to determine the role of this variant in disease. Therefore, it has been classified as a Variant of Uncertain Significance.